The following is an entry in ClinVar:

ClinVar aggregate classification (germline): Benign. Review status: criteria provided, multiple submitters, no conflicts (2 of 4 stars). 2 submissions from 2 submitters: Benign (2). Last evaluated 2024-07-31.

Allele frequency attached by ClinVar (database versions not stated): 1000 Genomes Project 30x 0.22064; 1000 Genomes Project 0.22204; TOPMed 0.26287; gnomAD 0.27883 and 0.27971.

Submissions (2):

Unidad de Genómica Garrahan, Hospital de Pediatría Garrahan
Classification: Benign. Last evaluated: 2024-07-31. Review status: criteria provided, single submitter. Criteria: ACMG Guidelines, 2015. Collection method: clinical testing. Allele origin: germline. Affected: no. Observed: 45 variant alleles.
Comment: This variant is classified as Benign based on local population frequency. This variant was detected in 48% of patients studied in a panel designed for Epileptic and Developmental Encephalopathy, Progressive Myoclonus Epilepsy and Abnormal Movements and Neurodegeneration with brain iron accumulation. Number of patients: 45. Only high quality variants are reported.

GeneDx
Classification: Benign. Last evaluated: 2018-06-23. Review status: criteria provided, single submitter. Criteria: GeneDx Variant Classification Process June 2021. Collection method: clinical testing. Allele origin: germline. Affected: yes.

NM_020442.6(VARS2):c.2785+64C>G

Gene: VARS2 (valyl-tRNA synthetase 2, mitochondrial; plus strand). Cytogenetic location: 6p21.33.
Variant type: single nucleotide variant.
Coding change: c.2785+64C>G on transcript NM_020442.6 (MANE Select); 64 bases into the intron after coding-DNA position 2785, C replaced by G.
Molecular consequence: intron variant.
Genome position (GRCh38, 1-based): chr6:30,925,449, C>G. VCF-style: chr6-30925449-C-G. GRCh37 (hg19) VCF-style: chr6-30893226-C-G.
Other names: c.2875+64C>G (NM_001167734.2); c.2365+64C>G (NM_001167733.3).
Identifiers: ClinVar variation 1291059 (VCV001291059.4), dbSNP rs2532939, ClinGen allele CA12186957.
Genomic context (GRCh38, chr6:30,925,449, plus strand): 5'-AGGCAAGGCGGGTCCTGGGCTCGGATCCCTGCAGGAAAAGGGGGCTGGTGGGGAAAAGAG[C>G]AGAGCCTGAAGGGCCAACCCCCCCGTTAGGAGGTGCAGGGTAGGAAGGGAGGCAGGAGCT-3'